The following is an entry in ClinVar:

NM_032382.5(COG8):c.673T>G (p.Cys225Gly)

Gene: COG8 (component of oligomeric golgi complex 8; minus strand). Cytogenetic location: 16q22.1.
Variant type: single nucleotide variant.
Coding change: c.673T>G on transcript NM_032382.5 (MANE Select); coding-DNA position 673, T replaced by G.
Protein change: p.Cys225Gly; replaces cysteine 225 with glycine.
Molecular consequence: missense variant.
Genome position (GRCh38, 1-based): chr16:69,335,261, A>C on the plus strand (T>G on the coding strand, the complement: COG8 is on the minus strand). VCF-style: chr16-69335261-A-C. GRCh37 (hg19) VCF-style: chr16-69369164-A-C.
Other names: c.673T>G, p.Cys225Gly (NM_001374871.1, NM_001379261.1, NM_001379262.1 and 4 more transcripts); short protein forms C225G.
Identifiers: ClinVar variation 1473717 (VCV001473717.6), dbSNP rs761059594, ClinGen allele CA283358568.

ClinVar aggregate classification (germline): Uncertain significance (1 of 4 stars; one submission).

Conditions:
COG8-congenital disorder of glycosylation. Also called: COG8-CDG; CDG IIh. Identifiers: Orphanet 95428, MedGen C1970021, MONDO:0012635, OMIM 611182.

Allele frequency attached by ClinVar (database versions not stated): gnomAD exomes 0.00001; gnomAD 0.00002.
gnomAD v4.1: 19 of 1,613,654 alleles (0.0012%); highest among the groups gnomAD compares: Non-Finnish European, 0.0015%; no homozygotes.

Submission:

Labcorp Genetics (formerly Invitae), Labcorp
Classification: Uncertain significance for COG8-congenital disorder of glycosylation. Last evaluated: 2022-06-27. Review status: criteria provided, single submitter. Criteria: Invitae Variant Classification Sherloc (09022015). Collection method: clinical testing. Allele origin: germline.
Comment: In summary, the available evidence is currently insufficient to determine the role of this variant in disease. Therefore, it has been classified as a Variant of Uncertain Significance. Algorithms developed to predict the effect of missense changes on protein structure and function are either unavailable or do not agree on the potential impact of this missense change (SIFT: "Tolerated"; PolyPhen-2: "Probably Damaging"; Align-GVGD: "Class C0"). This variant has not been reported in the literature in individuals affected with COG8-related conditions. This variant is not present in population databases (gnomAD no frequency). This sequence change replaces cysteine, which is neutral and slightly polar, with glycine, which is neutral and non-polar, at codon 225 of the COG8 protein (p.Cys225Gly).